The following is an entry in ClinVar:

ClinVar aggregate classification (germline): Pathogenic (1 of 4 stars; one submission).

Conditions:
Hereditary breast ovarian cancer syndrome. Also called: Hereditary breast and ovarian cancer syndrome (HBOC); Hereditary breast and/or ovarian cancer syndrome; Hereditary breast and ovarian cancer; BRCA1- and BRCA2-Associated Hereditary Breast and Ovarian Cancer; Hereditary breast and ovarian cancer syndrome; Breast and ovarian cancer. Identifiers: Orphanet 145, MedGen C0677776, MeSH D061325, MONDO:0003582. Disease mechanism: loss of function.

Submission:

Labcorp Genetics (formerly Invitae), Labcorp
Classification: Pathogenic for Hereditary breast ovarian cancer syndrome. Last evaluated: 2020-03-24. Review status: criteria provided, single submitter. Criteria: Invitae Variant Classification Sherloc (09022015). Collection method: clinical testing. Allele origin: germline.
Comment: This sequence change creates a premature translational stop signal (p.Asp1621Glufs*6) in the BRCA1 gene. It is expected to result in an absent or disrupted protein product. This variant is not present in population databases (ExAC no frequency). This variant has not been reported in the literature in individuals with BRCA1-related conditions. Loss-of-function variants in BRCA1 are known to be pathogenic (PMID: 20104584). For these reasons, this variant has been classified as Pathogenic.

Literature cited by the submitters: PubMed 20104584.

NM_007294.4(BRCA1):c.4862_4863insG (p.Asp1621fs)

Gene: BRCA1 (BRCA1 DNA repair associated; minus strand). Cytogenetic location: 17q21.31.
Variant type: Insertion.
Coding change: c.4862_4863insG on transcript NM_007294.4 (MANE Select); coding-DNA positions 4862 to 4863, G inserted.
Protein change: p.Asp1621fs; shifts the reading frame from aspartic acid 1621.
Molecular consequence: frameshift variant. On other transcripts: non-coding transcript variant (1).
Genome position: GRCh38 VCF-style: chr17-43071051-A-AC. GRCh37 (hg19) VCF-style: chr17-41223068-A-AC.
Other names: c.1472_1473insG, p.Asp491Glufs (NM_001408413.1, NM_001408414.1, NM_001408415.1 and 2 more transcripts); c.1436_1437insG, p.Asp479Glufs (NM_001408418.1, NM_001408419.1, NM_001408420.1); c.1433_1434insG, p.Asp478Glufs (NM_001408421.1, NM_001408422.1, NM_001408423.1 and 1 more transcripts); c.1430_1431insG, p.Asp477Glufs (NM_001408425.1, NM_001408426.1, NM_001408427.1 and 4 more transcripts); c.1427_1428insG, p.Asp476Glufs (NM_001408433.1, NM_001408434.1, NM_001408435.1 and 10 more transcripts); c.1424_1425insG, p.Asp475Glufs (NM_001408445.1, NM_001408446.1, NM_001408447.1 and 2 more transcripts); c.1418_1419insG, p.Asp473Glufs (NM_001408451.1); c.1412_1413insG, p.Asp471Glufs (NM_001408452.1, NM_001408453.1, NM_001408454.1 and 3 more transcripts); and 73 more; short protein forms D1574fs, D1621fs, D1642fs, D517fs.
Identifiers: ClinVar variation 1072912 (VCV001072912.8), dbSNP rs2153829891, ClinGen allele CA2499224392.